The following is an entry in ClinVar:

ClinVar aggregate classification (germline): Uncertain significance (1 of 4 stars; one submission).

Submission:

Labcorp Genetics (formerly Invitae), Labcorp
Classification: Uncertain significance. Last evaluated: 2021-06-13. Review status: criteria provided, single submitter. Criteria: Invitae Variant Classification Sherloc (09022015). Collection method: clinical testing. Allele origin: germline.
Comment: In summary, the available evidence is currently insufficient to determine the role of this variant in disease. Therefore, it has been classified as a Variant of Uncertain Significance. Algorithms developed to predict the effect of missense changes on protein structure and function (SIFT, PolyPhen-2, Align-GVGD) all suggest that this variant is likely to be tolerated, but these predictions have not been confirmed by published functional studies and their clinical significance is uncertain. This variant has not been reported in the literature in individuals with UQCRC2-related conditions. This variant is not present in population databases (ExAC no frequency). This sequence change replaces methionine with isoleucine at codon 438 of the UQCRC2 protein (p.Met438Ile). The methionine residue is moderately conserved and there is a small physicochemical difference between methionine and isoleucine.

NM_003366.4(UQCRC2):c.1314G>A (p.Met438Ile)

Genes: PDZD9 (PDZ domain containing 9), UQCRC2 (ubiquinol-cytochrome c reductase core protein 2). Cytogenetic location: 16p12.2.
Variant type: single nucleotide variant.
Coding change: c.1314G>A on transcript NM_003366.4 (MANE Select); coding-DNA position 1314, G replaced by A.
Protein change: p.Met438Ile; replaces methionine 438 with isoleucine.
Molecular consequence: missense variant.
Genome position (GRCh38, 1-based): chr16:21,983,123, G>A. VCF-style: chr16-21983123-G-A. GRCh37 (hg19) VCF-style: chr16-21994444-G-A.
Other names: short protein forms M438I.
Identifiers: ClinVar variation 1483299 (VCV001483299.8), dbSNP rs2141951647, ClinGen allele CA395256229.